The following is an entry in ClinVar:

NR_023343.3(RNU4ATAC):n.101G>A

Genes: CLASP1 (cytoplasmic linker associated protein 1; minus strand), CLASP1-AS1 (CLASP1 antisense RNA 1; plus strand), RNU4ATAC (RNA, U4atac small nuclear; plus strand). Cytogenetic location: 2q14.2.
Variant type: single nucleotide variant.
Molecular consequence: intron variant (on NM_001395891.1).
Genome position: GRCh38 VCF-style: chr2-121530980-G-A. GRCh37 (hg19) VCF-style: chr2-122288556-G-A.
Other names: c.196-655C>T (NM_001142274.2, NM_015282.3, NM_001378003.1 and 5 more transcripts).
Identifiers: ClinVar variation 1989614 (VCV001989614.3), dbSNP rs192674805, ClinGen allele CA54810988.

ClinVar aggregate classification (germline): Uncertain significance. Review status: criteria provided, multiple submitters, no conflicts (2 of 4 stars). 2 submissions from 2 submitters: Uncertain significance (2). Last evaluated 2025-03-10.

Conditions:
Roifman syndrome (RFMN). Also called: SPONDYLOEPIPHYSEAL DYSPLASIA, RETINAL DYSTROPHY, AND ANTIBODY DEFICIENCY. Identifiers: Orphanet 353298, MedGen C1846059, MONDO:0014722, OMIM 616651.
Lowry-Wood syndrome (LWS). Identifiers: Orphanet 1824, MedGen C0796021, MONDO:0009191, OMIM 226960.
Osteodysplastic primordial dwarfism, type 1 (MOPD1). Also called: Microcephalic Osteodysplastic Primordial Dwarfism, Type I; Microcephalic Osteodysplastic Primordial Dwarfism Type I/III (MOPDI) / Taybi-Linder Syndrome; MICROCEPHALIC OSTEODYSPLASTIC PRIMORDIAL DWARFISM, TYPE III; MOPD III; OSTEODYSPLASTIC PRIMORDIAL DWARFISM, TYPE III; MICROCEPHALIC OSTEODYSPLASTIC PRIMORDIAL DWARFISM TYPE I/III. Identifiers: Orphanet 2636, MedGen C1859452, MONDO:0008871, OMIM 210710.
RNU4ATAC-related disorder. Also called: RNU4ATAC-related condition.

Allele frequency attached by ClinVar (database versions not stated): 1000 Genomes Project 30x 0.00016; 1000 Genomes Project 0.00020.
gnomAD v4.1: 76 of 700,330 alleles (0.011%); highest among the groups gnomAD compares: Non-Finnish European, 0.016%; no homozygotes.

Submissions (2):

PreventionGenetics, part of Exact Sciences
Classification: Uncertain significance for RNU4ATAC-related condition. Last evaluated: 2025-03-10. Review status: criteria provided, single submitter. Criteria: ACMG Guidelines, 2015. Collection method: clinical testing. Allele origin: germline.
Comment: The RNU4ATAC n.101G>A is a noncoding alteration. To our knowledge, this variant has not been reported in the literature. This variant is reported in 0.015% of alleles in individuals of European (Non-Finnish) descent in gnomAD. At this time, the clinical significance of this variant is uncertain due to the absence of conclusive functional and genetic evidence.

Labcorp Genetics (formerly Invitae), Labcorp
Classification: Uncertain significance. Last evaluated: 2022-07-30. Review status: criteria provided, single submitter. Criteria: Invitae Variant Classification Sherloc (09022015). Collection method: clinical testing. Allele origin: germline.
Comment: This variant occurs in the RNU4ATAC gene, which encodes an RNA molecule that does not result in a protein product. This variant is present in population databases (rs192674805, gnomAD 0.01%). This variant has not been reported in the literature in individuals affected with RNU4ATAC-related conditions. Experimental studies and prediction algorithms are not available or were not evaluated, and the functional significance of this variant is currently unknown. In summary, the available evidence is currently insufficient to determine the role of this variant in disease. Therefore, it has been classified as a Variant of Uncertain Significance.